The following is an entry in ClinVar:

NM_004614.5(TK2):c.576G>A (p.Arg192=)

Gene: TK2 (thymidine kinase 2; minus strand). Cytogenetic location: 16q21.
Variant type: single nucleotide variant.
Coding change: c.576G>A on transcript NM_004614.5 (MANE Select); coding-DNA position 576, G replaced by A.
Protein change: p.Arg192=; no amino-acid change (arginine 192 retained).
Molecular consequence: synonymous variant. On other transcripts: non-coding transcript variant (1), intron variant (1).
Genome position (GRCh38, 1-based): chr16:66,517,178, C>T on the plus strand (G>A on the coding strand, the complement: TK2 is on the minus strand). VCF-style: chr16-66517178-C-T. GRCh37 (hg19) VCF-style: chr16-66551081-C-T.
Other names: p.R192R:AGG>AGA; c.483G>A, p.Arg161= (NM_001172643.1); c.501G>A, p.Arg167= (NM_001172644.2); c.522G>A, p.Arg174= (NM_001172645.2); c.429G>A, p.Arg143= (NM_001271934.2); c.285G>A, p.Arg95= (NM_001272050.2); c.357-3367G>A (NM_001271935.1).
Identifiers: ClinVar variation 137663 (VCV000137663.18), dbSNP rs146963943, ClinGen allele CA291316.
Genomic context (GRCh38, chr16:66,517,178, plus strand): 5'-GTCAAAGAGGCCTCTTACCAGCGGAATGACCTTCTCCTCTTCCCTGCATCTCTTCTTTAA[C>T]CTCTGGTAACAAGTCTCAGGATTGGTCCGAAGGTAAACTGAGGTTAAAAGAATACGTGGC-3'
Protein context (NP_004605.4, residues 182-202): LRTNPETCYQ[Arg192=]LKKRCREEEK

ClinVar aggregate classification (germline): Benign/Likely benign. Review status: criteria provided, multiple submitters, no conflicts (2 of 4 stars). 6 submissions from 6 submitters: Benign (4); Likely benign (2). Last evaluated 2026-01-28.

Conditions:
TK2-related disorder. Also called: TK2-related condition.
Mitochondrial DNA depletion syndrome, myopathic form (MTDPS2). Also called: MITOCHONDRIAL DNA DEPLETION SYNDROME 2 (MYOPATHIC TYPE); MITOCHONDRIAL DNA DEPLETION MYOPATHY, TK2-RELATED; TK2-Related Mitochondrial DNA Maintenance Defect, Myopathic Form. Identifiers: Orphanet 254875, MedGen C3149750, MONDO:0012301, OMIM 609560.

Allele frequency attached by ClinVar (database versions not stated): ESP Exome Variant Server 0.00023; gnomAD exomes 0.00029 and 0.00067; ExAC 0.00043; TOPMed 0.00056; gnomAD 0.00050 and 0.00055.
gnomAD v4.1: 538 of 1,614,092 alleles (0.033%); highest among the groups gnomAD compares: Admixed American, 0.085%; 1 homozygote.

Submissions (6):

Labcorp Genetics (formerly Invitae), Labcorp
Classification: Benign. Last evaluated: 2026-01-28. Review status: criteria provided, single submitter. Criteria: Invitae Variant Classification Sherloc (09022015). Collection method: clinical testing. Allele origin: germline.

PreventionGenetics, part of Exact Sciences
Classification: Likely benign for TK2-related condition. Last evaluated: 2025-07-31. Review status: criteria provided, single submitter. Criteria: ACMG Guidelines, 2015. Collection method: clinical testing. Allele origin: germline.
Comment: This variant is classified as likely benign based on ACMG/AMP sequence variant interpretation guidelines (Richards et al. 2015 PMID: 25741868, with internal and published modifications).

Blueprint Genetics
Classification: Likely benign. Last evaluated: 2024-11-04. Review status: criteria provided, single submitter. Criteria: ACMG Guidelines, 2015. Collection method: clinical testing. Allele origin: germline.

Athena Diagnostics
Classification: Benign. Last evaluated: 2024-07-25. Review status: criteria provided, single submitter. Criteria: Athena Diagnostics Criteria. Collection method: clinical testing. Allele origin: unknown.

Illumina Laboratory Services, Illumina
Classification: Benign for Mitochondrial DNA depletion syndrome, myopathic form. Last evaluated: 2017-09-20. Review status: criteria provided, single submitter. Criteria: ICSL Variant Classification Criteria 13 December 2019. Collection method: clinical testing. Allele origin: germline.
Comment: This variant was observed as part of a predisposition screen in an ostensibly healthy population. A literature search was performed for the gene, cDNA change, and amino acid change (where applicable). No publications were found based on this search. Allele frequency data from public databases was too high to be consistent with this variant causing disease. Therefore, this variant is classified as benign.

GeneDx
Classification: Benign. Last evaluated: 2014-03-19. Review status: criteria provided, single submitter. Criteria: GeneDx Variant Classification (06012015). Collection method: clinical testing. Allele origin: germline. Affected: yes.
Comment: This variant is considered likely benign or benign based on one or more of the following criteria: it is a conservative change, it occurs at a poorly conserved position in the protein, it is predicted to be benign by multiple in silico algorithms, and/or has population frequency not consistent with disease.